The following is an entry in ClinVar:

NM_002294.3(LAMP2):c.774_780del (p.Thr259fs)

Gene: LAMP2 (lysosome associated membrane protein 2; minus strand). Cytogenetic location: Xq24.
Variant type: Deletion.
Coding change: c.774_780del on transcript NM_002294.3 (MANE Select); coding-DNA positions 774 to 780, 7 bases deleted (AACTCAC; older notation c.774_780delAACTCAC).
Protein change: p.Thr259fs; shifts the reading frame from threonine 259.
Molecular consequence: frameshift variant.
Genome position (GRCh38, 1-based): chrX:120,446,389-120,446,395, GTGAGTT deleted on the plus strand (AACTCAC on the coding strand, the reverse complement: LAMP2 is on the minus strand); deleting any 7 consecutive bases within chrX:120,446,389-120,446,397 gives the same sequence; the c. name uses the placement nearest the transcript's 3' end. VCF-style (leftmost placement, unchanged base first): chrX-120446388-AGTGAGTT-A. GRCh37 (hg19) VCF-style: chrX-119580243-AGTGAGTT-A.
Other names: c.774_780del, p.Thr259fs (NM_001122606.1, NM_013995.2); short protein forms T259fs.
Identifiers: ClinVar variation 2005281 (VCV002005281.4), dbSNP rs2520877178, ClinGen allele CA2580100287.

ClinVar aggregate classification (germline): Pathogenic (1 of 4 stars; one submission).

Conditions:
Danon disease. Also called: Glycogen Storage Disease Type IIb; ANTOPOL DISEASE; PSEUDOGLYCOGENOSIS II; GSD IIb; LYSOSOMAL GLYCOGEN STORAGE DISEASE WITHOUT ACID MALTASE DEFICIENCY. Identifiers: Orphanet 34587, MedGen C0878677, MONDO:0010281, OMIM 300257.

Submission:

Labcorp Genetics (formerly Invitae), Labcorp
Classification: Pathogenic for Danon disease. Last evaluated: 2021-11-27. Review status: criteria provided, single submitter. Criteria: Invitae Variant Classification Sherloc (09022015). Collection method: clinical testing. Allele origin: germline.
Comment: This sequence change creates a premature translational stop signal (p.Thr259Profs*22) in the LAMP2 gene. It is expected to result in an absent or disrupted protein product. Loss-of-function variants in LAMP2 are known to be pathogenic (PMID: 21415759). This variant is not present in population databases (gnomAD no frequency). This variant has not been reported in the literature in individuals affected with LAMP2-related conditions. For these reasons, this variant has been classified as Pathogenic.

Literature cited by the submitters: PubMed 21415759.